The following is an entry in ClinVar:

ClinVar aggregate classification (germline): Uncertain significance (1 of 4 stars; one submission).

Allele frequency attached by ClinVar (database versions not stated): ExAC 0.00001; gnomAD 0.00001; gnomAD exomes 0.00001; TOPMed 0.00002.
gnomAD v4.1: 3 of 1,614,030 alleles (0.00019%); highest among the groups gnomAD compares: African/African-American, 0.0027%; no homozygotes.

Submission:

Labcorp Genetics (formerly Invitae), Labcorp
Classification: Uncertain significance. Last evaluated: 2021-08-27. Review status: criteria provided, single submitter. Criteria: Invitae Variant Classification Sherloc (09022015). Collection method: clinical testing. Allele origin: germline.
Comment: This sequence change replaces leucine with valine at codon 241 of the LAMC3 protein (p.Leu241Val). The leucine residue is highly conserved and there is a small physicochemical difference between leucine and valine. This variant is present in population databases (rs754000702, ExAC 0.01%). This variant has not been reported in the literature in individuals affected with LAMC3-related conditions. Algorithms developed to predict the effect of missense changes on protein structure and function are either unavailable or do not agree on the potential impact of this missense change (SIFT: "Deleterious"; PolyPhen-2: "Probably Damaging"; Align-GVGD: "Class C0"). In summary, the available evidence is currently insufficient to determine the role of this variant in disease. Therefore, it has been classified as a Variant of Uncertain Significance.

NM_006059.4(LAMC3):c.721C>G (p.Leu241Val)

Gene: LAMC3 (laminin subunit gamma 3; plus strand). Cytogenetic location: 9q34.12.
Variant type: single nucleotide variant.
Coding change: c.721C>G on transcript NM_006059.4 (MANE Select); coding-DNA position 721, C replaced by G.
Protein change: p.Leu241Val; replaces leucine 241 with valine.
Molecular consequence: missense variant.
Genome position (GRCh38, 1-based): chr9:131,032,087, C>G. VCF-style: chr9-131032087-C-G. GRCh37 (hg19) VCF-style: chr9-133907474-C-G.
Other names: short protein forms L241V.
Identifiers: ClinVar variation 1464588 (VCV001464588.5), dbSNP rs754000702, ClinGen allele CA5286788.